The following is an entry in ClinVar:

NM_006662.3(SRCAP):c.8750A>G (p.Gln2917Arg)

Gene: SRCAP (Snf2 related CREBBP activator protein; plus strand). Cytogenetic location: 16p11.2.
Variant type: single nucleotide variant.
Coding change: c.8750A>G on transcript NM_006662.3 (MANE Select); coding-DNA position 8750, A replaced by G.
Protein change: p.Gln2917Arg; replaces glutamine 2917 with arginine.
Molecular consequence: missense variant.
Genome position (GRCh38, 1-based): chr16:30,738,790, A>G. VCF-style: chr16-30738790-A-G. GRCh37 (hg19) VCF-style: chr16-30750111-A-G.
Other names: short protein forms Q2917R.
Identifiers: ClinVar variation 2693055 (VCV002693055.3), dbSNP rs2543429554, ClinGen allele CA395640746.

ClinVar aggregate classification (germline): Uncertain significance (1 of 4 stars; one submission).

Allele frequency attached by ClinVar (database versions not stated): gnomAD exomes below 0.00001.

Submission:

Labcorp Genetics (formerly Invitae), Labcorp
Classification: Uncertain significance. Last evaluated: 2024-03-26. Review status: criteria provided, single submitter. Criteria: Invitae Variant Classification Sherloc (09022015). Collection method: clinical testing. Allele origin: germline.
Comment: This sequence change replaces glutamine, which is neutral and polar, with arginine, which is basic and polar, at codon 2917 of the SRCAP protein (p.Gln2917Arg). This variant is not present in population databases (gnomAD no frequency). This variant has not been reported in the literature in individuals affected with SRCAP-related conditions. Advanced modeling of protein sequence and biophysical properties (such as structural, functional, and spatial information, amino acid conservation, physicochemical variation, residue mobility, and thermodynamic stability) performed at Invitae indicates that this missense variant is not expected to disrupt SRCAP protein function with a negative predictive value of 80%. In summary, the available evidence is currently insufficient to determine the role of this variant in disease. Therefore, it has been classified as a Variant of Uncertain Significance.